The following is an entry in ClinVar:

NM_199420.4(POLQ):c.5765A>G (p.Lys1922Arg)

Gene: POLQ (DNA polymerase theta; minus strand). Cytogenetic location: 3q13.33.
Variant type: single nucleotide variant.
Coding change: c.5765A>G on transcript NM_199420.4 (MANE Select); coding-DNA position 5765, A replaced by G.
Protein change: p.Lys1922Arg; replaces lysine 1922 with arginine.
Molecular consequence: missense variant.
Genome position (GRCh38, 1-based): chr3:121,485,049, T>C on the plus strand (A>G on the coding strand, the complement: POLQ is on the minus strand). VCF-style: chr3-121485049-T-C. GRCh37 (hg19) VCF-style: chr3-121203896-T-C.
Other names: short protein forms K1922R.
Identifiers: ClinVar variation 1749506 (VCV001749506.2), dbSNP rs2546782846, ClinGen allele CA354088932.

ClinVar aggregate classification (germline): Uncertain significance (1 of 4 stars; one submission).

Submission:

Ambry Genetics
Classification: Uncertain significance. Last evaluated: 2022-08-22. Review status: criteria provided, single submitter. Criteria: Ambry Variant Classification Scheme 2023. Collection method: clinical testing. Allele origin: germline.
Comment: The p.K1922R variant (also known as c.5765A>G), located in coding exon 17 of the POLQ gene, results from an A to G substitution at nucleotide position 5765. The lysine at codon 1922 is replaced by arginine, an amino acid with highly similar properties. This amino acid position is conserved. In addition, this alteration is predicted to be tolerated by in silico analysis. Since supporting evidence is limited at this time, the clinical significance of this alteration remains unclear.